The following is an entry in ClinVar:

NM_021871.4(FGA):c.563T>C (p.Leu188Ser)

Gene: FGA (fibrinogen alpha chain; minus strand). Cytogenetic location: 4q31.3.
Variant type: single nucleotide variant.
Coding change: c.563T>C on transcript NM_021871.4 (MANE Select); coding-DNA position 563, T replaced by C.
Protein change: p.Leu188Ser; replaces leucine 188 with serine.
Molecular consequence: missense variant.
Genome position (GRCh38, 1-based): chr4:154,586,866, A>G on the plus strand (T>C on the coding strand, the complement: FGA is on the minus strand). VCF-style: chr4-154586866-A-G. GRCh37 (hg19) VCF-style: chr4-155508018-A-G.
Other names: c.563T>C, p.Leu188Ser (NM_000508.5); short protein forms L188S.
Identifiers: ClinVar variation 3342033 (VCV003342033.16).

ClinVar aggregate classification (germline): Uncertain significance (1 of 4 stars; one submission).

Submission:

CeGaT Center for Human Genetics Tuebingen
Classification: Uncertain significance. Last evaluated: 2024-08-01. Review status: criteria provided, single submitter. Criteria: CeGaT Center For Human Genetics Tuebingen Variant Classification Criteria Version 2. Collection method: clinical testing. Allele origin: germline. Affected: yes. Observed: 1 variant allele.
Comment: FGA: PM2